The following is an entry in ClinVar:

ClinVar aggregate classification (germline): Conflicting classifications of pathogenicity. Review status: criteria provided, conflicting classifications (1 of 4 stars). 7 submissions from 7 submitters: Uncertain significance (1); Benign (2); Likely benign (4). Last evaluated 2026-04-21.

Conditions:
Hereditary cancer-predisposing syndrome. Also called: Hereditary neoplastic syndrome; Tumor predisposition; Neoplastic Syndromes, Hereditary; Hereditary Cancer Syndrome. Identifiers: Orphanet 140162, MedGen C0027672, MeSH D009386, MONDO:0015356.
DICER1-related tumor predisposition. Also called: DICER1 syndrome; DICER1-related pleuropulmonary blastoma cancer predisposition syndrome. Identifiers: Orphanet 284343, MedGen C3839822, MONDO:0100216.

Allele frequency attached by ClinVar (database versions not stated): ExAC 0.00001; gnomAD 0.00001; gnomAD exomes 0.00001; TOPMed 0.00002.
gnomAD v4.1: 28 of 1,614,028 alleles (0.0017%); highest among the groups gnomAD compares: Non-Finnish European, 0.0023%; no homozygotes.

Submissions (7):

Myriad Genetics, Inc.
Classification: Benign for DICER1-related tumor predisposition. Last evaluated: 2026-04-21. Review status: criteria provided, single submitter. Criteria: Myriad Autosomal Dominant, Autosomal Recessive and X-Linked Classification Criteria (2023). Collection method: clinical testing. Allele origin: unknown.
Comment: This variant is considered benign. This variant is a silent/synonymous amino acid change and it is not expected to impact splicing.

Labcorp Genetics (formerly Invitae), Labcorp
Classification: Benign for DICER1-related tumor predisposition. Last evaluated: 2026-01-25. Review status: criteria provided, single submitter. Criteria: Invitae Variant Classification Sherloc (09022015). Collection method: clinical testing. Allele origin: germline.

Center for Genomic Medicine, Rigshospitalet, Copenhagen University Hospital
Classification: Likely benign. Last evaluated: 2025-03-04. Review status: criteria provided, single submitter. Criteria: ACMG Guidelines, 2015. Collection method: clinical testing. Allele origin: germline.

CeGaT Center for Human Genetics Tuebingen
Classification: Likely benign. Last evaluated: 2025-03-01. Review status: criteria provided, single submitter. Criteria: CeGaT Center For Human Genetics Tuebingen Variant Classification Criteria Version 2. Collection method: clinical testing. Allele origin: germline. Affected: yes. Observed: 2 variant alleles.
Comment: DICER1: BP4, BP7

Quest Diagnostics Nichols Institute San Juan Capistrano
Classification: Uncertain significance. Last evaluated: 2023-02-13. Review status: criteria provided, single submitter. Criteria: Quest Diagnostics criteria. Collection method: clinical testing. Allele origin: unknown.
Comment: To the best of our knowledge, the variant has not been reported in individuals with DICER1-related conditions in the published literature. The frequency of this variant in the general population, 0.000026 (3/113570 chromosomes), is uninformative in assessment of its pathogenicity. Analysis of this variant using software algorithms for the prediction of the effect of nucleotide changes on splicing yielded predictions that this variant does not affect DICER1 mRNA splicing . Based on the available information, we are unable to determine the clinical significance of this variant.

Sema4
Classification: Likely benign for Hereditary cancer-predisposing syndrome. Last evaluated: 2022-02-17. Review status: criteria provided, single submitter. Criteria: Sema4 Curation Guidelines. Collection method: curation. Allele origin: germline.

Ambry Genetics
Classification: Likely benign for Hereditary cancer-predisposing syndrome. Last evaluated: 2018-06-08. Review status: criteria provided, single submitter. Criteria: Ambry Variant Classification Scheme 2023. Collection method: clinical testing. Allele origin: germline.

NM_177438.3(DICER1):c.5529A>G (p.Glu1843=)

Gene: DICER1 (dicer 1, ribonuclease III; minus strand). Cytogenetic location: 14q32.13.
Variant type: single nucleotide variant.
Coding change: c.5529A>G on transcript NM_177438.3 (MANE Select); coding-DNA position 5529, A replaced by G.
Protein change: p.Glu1843=; no amino-acid change (glutamic acid 1843 retained).
Molecular consequence: synonymous variant. On other transcripts: missense variant (1).
Genome position (GRCh38, 1-based): chr14:95,091,108, T>C on the plus strand (A>G on the coding strand, the complement: DICER1 is on the minus strand). VCF-style: chr14-95091108-T-C. GRCh37 (hg19) VCF-style: chr14-95557445-T-C.
Other names: c.5366A>G, p.Lys1789Arg (NM_001195573.1); c.5529A>G, p.Glu1843= (NM_001271282.3, NM_001291628.2, NM_030621.4); short protein forms K1789R.
Identifiers: ClinVar variation 477263 (VCV000477263.44), dbSNP rs768311617, ClinGen allele CA7330634.
Genomic context (GRCh38, chr14:95,091,108, plus strand): 5'-TTCTGGTTCCATTTCAAGCAATTCTCGCACAGGGGAACGGGGTACATTTGCAGAAAACTT[T>C]TCTGCAATCAAAATGAAAGAATAATATGAATAATATCTCTGAAGTTGTTTTTAATTTTGT-3'
Protein context (NP_803187.1, residues 1833-1853): VYYPMMRPLI[Glu1843=]KFSANVPRSP